The following is an entry in ClinVar:

ClinVar aggregate classification (germline): Pathogenic (1 of 4 stars; one submission).

Submission:

Labcorp Genetics (formerly Invitae), Labcorp
Classification: Pathogenic. Last evaluated: 2022-07-12. Review status: criteria provided, single submitter. Criteria: Invitae Variant Classification Sherloc (09022015). Collection method: clinical testing. Allele origin: germline.
Comment: For these reasons, this variant has been classified as Pathogenic. This variant has not been reported in the literature in individuals affected with CYP4V2-related conditions. This variant is not present in population databases (gnomAD no frequency). This sequence change creates a premature translational stop signal (p.Ala196Leufs*6) in the CYP4V2 gene. It is expected to result in an absent or disrupted protein product. Loss-of-function variants in CYP4V2 are known to be pathogenic (PMID: 15042513, 25118264).

Literature cited by the submitters: PubMed 15042513; PubMed 25118264.

NM_207352.4(CYP4V2):c.582_583del (p.Ala196fs)

Gene: CYP4V2 (cytochrome P450 family 4 subfamily V member 2; plus strand). Cytogenetic location: 4q35.1.
Variant type: Deletion.
Coding change: c.582_583del on transcript NM_207352.4 (MANE Select); coding-DNA positions 582 to 583, 2 bases deleted (TT; older notation c.582_583delTT).
Protein change: p.Ala196fs; shifts the reading frame from alanine 196.
Molecular consequence: frameshift variant.
Genome position (GRCh38, 1-based): chr4:186,197,108-186,197,109, TT deleted; deleting any 2 consecutive bases within chr4:186,197,107-186,197,109 gives the same sequence; the c. name uses the placement nearest the transcript's 3' end. VCF-style (leftmost placement, unchanged base first): chr4-186197106-CTT-C. GRCh37 (hg19) VCF-style: chr4-187118260-CTT-C.
Other names: short protein forms A196fs.
Identifiers: ClinVar variation 1973075 (VCV001973075.5), dbSNP rs925107016, ClinGen allele CA112124566.